The following is an entry in ClinVar:

NM_013275.6(ANKRD11):c.1983dup (p.Glu662Ter)

Gene: ANKRD11 (ankyrin repeat domain 11; minus strand). Cytogenetic location: 16q24.3.
Variant type: Duplication.
Coding change: c.1983dup on transcript NM_013275.6 (MANE Select); coding-DNA position 1983, one base duplicated (T; older notation c.1983dupT).
Protein change: p.Glu662Ter; replaces glutamic acid 662 with a stop codon.
Molecular consequence: nonsense.
Genome position (GRCh38, 1-based): chr16:89,284,559, A duplicated on the plus strand (T on the coding strand, the reverse complement: ANKRD11 is on the minus strand). VCF-style (leftmost placement, unchanged base first): chr16-89284558-C-CA. GRCh37 (hg19) VCF-style: chr16-89350966-C-CA.
Other names: c.1983dup, p.Glu662Ter (NM_001256182.2, NM_001256183.2); short protein forms E662*.
Identifiers: ClinVar variation 4850061 (VCV004850061.1).
Genomic context (GRCh38, chr16:89,284,558, plus strand): 5'-TTTCAGTGGAAAGATCATTCTCTAACAGTATAGCCTTATCTGACTTCTGCTTGGAGTCCT[C>CA]ATATTCGTAAGTAAAACTTTTCAACTTCAGCTCTTGGCTGATGGAACACTGTCCCTTCTC-3'

ClinVar aggregate classification (germline): Likely pathogenic (1 of 4 stars; one submission).

Conditions:
KBG syndrome (KBGS). Also called: ANKRD11-Related KBG Syndrome. Identifiers: Orphanet 2332, MedGen C0220687, MONDO:0007846, OMIM 148050.

Submission:

Variantyx, Inc.
Classification: Likely pathogenic for KBG syndrome. Last evaluated: 2025-05-28. Review status: criteria provided, single submitter. Criteria: Variantyx Assertion Criteria 2022. Collection method: clinical testing. Allele origin: germline. Inheritance: Autosomal dominant inheritance. Affected: yes.
Comment: This is a frameshift variant in the ANKRD11 gene (OMIM: 611192). Pathogenic variants in this gene have been associated with autosomal dominant KBG syndrome. This variant introduces a premature termination codon in exon 9 out of 13 and is expected to result in loss of function, which is a known disease mechanism for ANKRD11 in this disorder (PMID: 21782149, 35330407) (PVS1). This variant is absent from control populations (PM2). This variant has not been reported in individuals with ANKRD11-related disorders in the databases available for review. Based on the current evidence, this variant is classified as likely pathogenic for autosomal dominant KBG syndrome.

Literature cited by the submitters: PubMed 21782149; PubMed 35330407.